The following is an entry in ClinVar:

ClinVar aggregate classification (germline): Uncertain significance. Review status: criteria provided, multiple submitters, no conflicts (2 of 4 stars). 2 submissions from 2 submitters: Uncertain significance (2). Last evaluated 2025-10-27.

Conditions:
Cardiovascular phenotype. Identifiers: MedGen CN230736.
Long QT syndrome (LQTS). Identifiers: MedGen C0023976, MeSH D008133, MONDO:0002442. Disease mechanism: loss of function. Inheritance: Various modes of inheritance.

Allele frequency attached by ClinVar (database versions not stated): ExAC 0.00001; gnomAD 0.00001; TOPMed 0.00001.
gnomAD v4.1: 8 of 1,604,158 alleles (0.0005%); highest among the groups gnomAD compares: South Asian, 0.0011%; no homozygotes.

Submissions (2):

Labcorp Genetics (formerly Invitae), Labcorp
Classification: Uncertain significance for Long QT syndrome. Last evaluated: 2025-10-27. Review status: criteria provided, single submitter. Criteria: Invitae Variant Classification Sherloc (09022015). Collection method: clinical testing. Allele origin: germline.
Comment: This sequence change falls in intron 2 of the SNTA1 gene. It does not directly change the encoded amino acid sequence of the SNTA1 protein. It affects a nucleotide within the consensus splice site. This variant is present in population databases (rs774195790, gnomAD 0.003%). This variant has not been reported in the literature in individuals affected with SNTA1-related conditions. ClinVar contains an entry for this variant (Variation ID: 3223120). Variants that disrupt the consensus splice site are a relatively common cause of aberrant splicing (PMID: 17576681, 9536098). Algorithms developed to predict the effect of sequence changes on RNA splicing suggest that this variant is not likely to affect RNA splicing. In summary, the available evidence is currently insufficient to determine the role of this variant in disease. Therefore, it has been classified as a Variant of Uncertain Significance.

Ambry Genetics
Classification: Uncertain significance for Cardiovascular phenotype. Last evaluated: 2023-10-17. Review status: criteria provided, single submitter. Criteria: Ambry Variant Classification Scheme 2023. Collection method: clinical testing. Allele origin: germline.
Comment: The c.497-3C>T intronic variant results from a C to T substitution 3 nucleotides upstream from coding exon 3 in the SNTA1 gene. This nucleotide position is well conserved in available vertebrate species. In silico splice site analysis predicts that this alteration will not have any significant effect on splicing. The evidence for this gene-disease relationship is limited; therefore, the clinical significance of this alteration is unclear.

Literature cited by the submitters: PubMed 17576681 (cited by Labcorp Genetics (formerly Invitae), Labcorp); PubMed 9536098 (cited by Labcorp Genetics (formerly Invitae), Labcorp).

NM_003098.3(SNTA1):c.497-3C>T

Gene: SNTA1 (syntrophin alpha 1; minus strand). Cytogenetic location: 20q11.21.
Variant type: single nucleotide variant.
Coding change: c.497-3C>T on transcript NM_003098.3 (MANE Select); 3 bases into the intron before coding-DNA position 497, C replaced by T.
Molecular consequence: intron variant.
Genome position (GRCh38, 1-based): chr20:33,417,926, G>A on the plus strand (C>T on the coding strand, the complement: SNTA1 is on the minus strand). VCF-style: chr20-33417926-G-A. GRCh37 (hg19) VCF-style: chr20-32005732-G-A.
Other names: c.497-3C>T (NM_001424413.1, NM_001424414.1).
Identifiers: ClinVar variation 3223120 (VCV003223120.2), dbSNP rs774195790, ClinGen allele CA9817204.